The following is an entry in ClinVar:

ClinVar aggregate classification (germline): Likely benign (1 of 4 stars; one submission).

Allele frequency attached by ClinVar (database versions not stated): 1000 Genomes Project 30x 0.00375; 1000 Genomes Project 0.00419; gnomAD 0.00562 and 0.00607; TOPMed 0.00635; gnomAD exomes 0.00053.
gnomAD v4.1: 1,068 of 566,058 alleles (0.19%); highest among the groups gnomAD compares: African/African-American, 2%; 9 homozygotes.

Submission:

GeneDx
Classification: Likely benign. Last evaluated: 2021-12-12. Review status: criteria provided, single submitter. Criteria: GeneDx Variant Classification Process June 2021. Collection method: clinical testing. Allele origin: germline. Affected: yes.
Comment: See Variant Classification Assertion Criteria.

NM_015459.5(ATL3):c.562-117C>A

Genes: ATL3 (atlastin GTPase 3; minus strand), LNCROPM (lncRNA regulator of PLAAT3 mediated phospholipid metabolism; plus strand). Cytogenetic location: 11q13.1.
Variant type: single nucleotide variant.
Coding change: c.562-117C>A on transcript NM_015459.5 (MANE Select); 117 bases into the intron before coding-DNA position 562, C replaced by A.
Molecular consequence: intron variant.
Genome position (GRCh38, 1-based): chr11:63,646,680, G>T on the plus strand (C>A on the coding strand, the complement: ATL3 is on the minus strand). VCF-style: chr11-63646680-G-T. GRCh37 (hg19) VCF-style: chr11-63414152-G-T.
Other names: c.508-117C>A (NM_001290048.2).
Identifiers: ClinVar variation 1691664 (VCV001691664.3), dbSNP rs144488698, ClinGen allele CA223747078.